The following is an entry in ClinVar:

ClinVar aggregate classification (germline): Uncertain significance (1 of 4 stars; one submission).

Conditions:
Early-infantile DEE. Also called: Ohtahara syndrome; Early infantile epileptic encephalopathy; Early infantile epileptic encephalopathy with suppression bursts. Identifiers: Orphanet 1934, MedGen C0393706, MONDO:0800491.

Allele frequency attached by ClinVar (database versions not stated): gnomAD exomes 0.00001; gnomAD 0.00001.

Submission:

Labcorp Genetics (formerly Invitae), Labcorp
Classification: Uncertain significance for Early-infantile DEE. Last evaluated: 2023-12-18. Review status: criteria provided, single submitter. Criteria: Invitae Variant Classification Sherloc (09022015). Collection method: clinical testing. Allele origin: germline.
Comment: This sequence change replaces proline, which is neutral and non-polar, with arginine, which is basic and polar, at codon 651 of the KCNQ2 protein (p.Pro651Arg). This variant is present in population databases (no rsID available, gnomAD 0.007%). This variant has not been reported in the literature in individuals affected with KCNQ2-related conditions. An algorithm developed to predict the effect of missense changes on protein structure and function (PolyPhen-2) suggests that this variant is likely to be disruptive. In summary, the available evidence is currently insufficient to determine the role of this variant in disease. Therefore, it has been classified as a Variant of Uncertain Significance.

NM_172107.4(KCNQ2):c.1952C>G (p.Pro651Arg)

Gene: KCNQ2 (potassium voltage-gated channel subfamily Q member 2; minus strand). Cytogenetic location: 20q13.33.
Variant type: single nucleotide variant.
Coding change: c.1952C>G on transcript NM_172107.4 (MANE Select); coding-DNA position 1952, C replaced by G.
Protein change: p.Pro651Arg; replaces proline 651 with arginine.
Molecular consequence: missense variant.
Genome position (GRCh38, 1-based): chr20:63,407,311, G>C on the plus strand (C>G on the coding strand, the complement: KCNQ2 is on the minus strand). VCF-style: chr20-63407311-G-C. GRCh37 (hg19) VCF-style: chr20-62038664-G-C.
Other names: c.1859C>G, p.Pro620Arg (NM_172108.5); c.2006C>G, p.Pro669Arg (NM_001382235.1); c.1868C>G, p.Pro623Arg (NM_004518.6); c.1898C>G, p.Pro633Arg (NM_172106.3); short protein forms P623R, P620R, P633R, P669R, P651R.
Identifiers: ClinVar variation 2983261 (VCV002983261.3), dbSNP rs1242156255, ClinGen allele CA409639347.
Genomic context (GRCh38, chr20:63,407,311, plus strand): 5'-TGGTACGGCGGCGCCGGCTCCGGCTCTTTGGCCCCAAAGTAGGCCTCGGTCTCTGTCGGG[G>C]GGATGCCCATCCGCTGCATGTAGATATTCACCAGGAAGTCCAGCTTCTTCTCCATGGACA-3'
Protein context (NP_742105.1, residues 641-661): VNIYMQRMGI[Pro651Arg]PTETEAYFGA